The following is an entry in ClinVar:

NM_016592.5(GNAS):c.410C>T (p.Pro137Leu)

Genes: GNAS (GNAS complex locus; plus strand), GNAS-AS1 (GNAS antisense RNA 1; minus strand). Cytogenetic location: 20q13.32.
Variant type: single nucleotide variant.
Coding change: c.410C>T on transcript NM_016592.5 (MANE Plus Clinical); coding-DNA position 410, C replaced by T.
Protein change: p.Pro137Leu; replaces proline 137 with leucine.
Molecular consequence: missense variant. On other transcripts: 5 prime UTR variant (1).
Genome position (GRCh38, 1-based): chr20:58,840,516, C>T. VCF-style: chr20-58840516-C-T. GRCh37 (hg19) VCF-style: chr20-57415571-C-T.
Other names: c.-328C>T (NM_001410912.1); short protein forms P137L.
Identifiers: ClinVar variation 1320781 (VCV001320781.6), dbSNP rs2145471865, ClinGen allele CA409451729.

ClinVar aggregate classification (germline): Uncertain significance (1 of 4 stars; one submission).

Submission:

GeneDx
Classification: Uncertain significance. Last evaluated: 2026-02-12. Review status: criteria provided, single submitter. Criteria: GeneDx Variant Classification Process June 2021. Collection method: clinical testing. Allele origin: germline. Affected: yes.
Comment: Not observed at significant frequency in large population cohorts (gnomAD); In silico analysis supports that this missense variant has a deleterious effect on protein structure/function; Has not been previously published as pathogenic or benign to our knowledge; Reported using an alternate transcript of the gene